The following is an entry in ClinVar:

ClinVar aggregate classification (germline): Uncertain significance (1 of 4 stars; one submission).

Conditions:
Hereditary nonpolyposis colorectal neoplasms. Identifiers: MedGen C0009405, MeSH D003123.

Submission:

Labcorp Genetics (formerly Invitae), Labcorp
Classification: Uncertain significance for Hereditary nonpolyposis colorectal neoplasms. Last evaluated: 2019-11-22. Review status: criteria provided, single submitter. Criteria: Invitae Variant Classification Sherloc (09022015). Collection method: clinical testing. Allele origin: germline.
Comment: This sequence change replaces isoleucine with phenylalanine at codon 122 of the PMS2 protein (p.Ile122Phe). The isoleucine residue is highly conserved and there is a small physicochemical difference between isoleucine and phenylalanine. This variant is not present in population databases (ExAC no frequency). This variant has not been reported in the literature in individuals with PMS2-related disease. In summary, the available evidence is currently insufficient to determine the role of this variant in disease. Therefore, it has been classified as a Variant of Uncertain Significance. Algorithms developed to predict the effect of missense changes on protein structure and function are either unavailable or do not agree on the potential impact of this missense change (SIFT: "Deleterious"; PolyPhen-2: "Probably Damaging"; Align-GVGD: "Class C0").

NM_000535.7(PMS2):c.364A>T (p.Ile122Phe)

Gene: PMS2 (PMS1 homolog 2, mismatch repair system component; minus strand). Cytogenetic location: 7p22.1.
Variant type: single nucleotide variant.
Coding change: c.364A>T on transcript NM_000535.7 (MANE Select); coding-DNA position 364, A replaced by T.
Protein change: p.Ile122Phe; replaces isoleucine 122 with phenylalanine.
Molecular consequence: missense variant. On other transcripts: 5 prime UTR variant (8), non-coding transcript variant (1).
Genome position (GRCh38, 1-based): chr7:6,002,626, T>A on the plus strand (A>T on the coding strand, the complement: PMS2 is on the minus strand). VCF-style: chr7-6002626-T-A. GRCh37 (hg19) VCF-style: chr7-6042257-T-A.
Other names: c.-42A>T (NM_001322003.2, NM_001322004.2, NM_001322005.2 and 3 more transcripts); c.364A>T, p.Ile122Phe (NM_001322006.2, NM_001322014.2); c.46A>T, p.Ile16Phe (NM_001322007.2, NM_001322008.2); c.-521A>T (NM_001322011.2, NM_001322012.2); c.55A>T, p.Ile19Phe (NM_001322015.2); short protein forms I122F, I19F, I16F.
Identifiers: ClinVar variation 661059 (VCV000661059.10), dbSNP rs761748894, ClinGen allele CA366744496.